The following is an entry in ClinVar:

ClinVar aggregate classification (germline): Uncertain significance (1 of 4 stars; one submission).

Conditions:
Luscan-Lumish syndrome. Identifiers: Orphanet 597738, MedGen C4085873, MONDO:0014791, OMIM 616831.

Allele frequency attached by ClinVar (database versions not stated): gnomAD 0.00001; ESP Exome Variant Server 0.00008; gnomAD exomes 0.00001 and below 0.00001; ExAC 0.00001.
gnomAD v4.1: 14 of 1,614,050 alleles (0.00087%); highest among the groups gnomAD compares: Non-Finnish European, 0.0012%; no homozygotes.

Submission:

Labcorp Genetics (formerly Invitae), Labcorp
Classification: Uncertain significance for Luscan-lumish syndrome. Last evaluated: 2018-07-21. Review status: criteria provided, single submitter. Criteria: Invitae Variant Classification Sherloc (09022015). Collection method: clinical testing. Allele origin: germline.
Comment: This sequence change replaces phenylalanine with leucine at codon 1878 of the SETD2 protein (p.Phe1878Leu). The phenylalanine residue is moderately conserved and there is a small physicochemical difference between phenylalanine and leucine. This variant is present in population databases (rs138568145, ExAC 0.001%). This variant has not been reported in the literature in individuals with SETD2-related disease. Algorithms developed to predict the effect of missense changes on protein structure and function (SIFT, PolyPhen-2, Align-GVGD) all suggest that this variant is likely to be tolerated, but these predictions have not been confirmed by published functional studies and their clinical significance is uncertain. In summary, the available evidence is currently insufficient to determine the role of this variant in disease. Therefore, it has been classified as a Variant of Uncertain Significance.

NM_014159.7(SETD2):c.5632T>C (p.Phe1878Leu)

Gene: SETD2 (SET domain containing 2, histone lysine methyltransferase; minus strand). Cytogenetic location: 3p21.31.
Variant type: single nucleotide variant.
Coding change: c.5632T>C on transcript NM_014159.7 (MANE Select); coding-DNA position 5632, T replaced by C.
Protein change: p.Phe1878Leu; replaces phenylalanine 1878 with leucine.
Molecular consequence: missense variant. On other transcripts: non-coding transcript variant (1).
Genome position (GRCh38, 1-based): chr3:47,084,148, A>G on the plus strand (T>C on the coding strand, the complement: SETD2 is on the minus strand). VCF-style: chr3-47084148-A-G. GRCh37 (hg19) VCF-style: chr3-47125638-A-G.
Other names: c.5500T>C, p.Phe1834Leu (NM_001349370.3); short protein forms F1878L, F1834L.
Identifiers: ClinVar variation 658116 (VCV000658116.1), dbSNP rs138568145, ClinGen allele CA2362868.
Genomic context (GRCh38, chr3:47,084,148, plus strand): 5'-TGGTTGCATCAGAGATTGCACTGTCCATGCTATTTTCACTTATAATTTTCAGTCTGCGAA[A>G]CATTAGTTTCTTGGGAGTGTCTGTGTCAGCTTCTGTGCTCAGCTTGGTGGAAGGATCAGG-3'
Protein context (NP_054878.5, residues 1868-1888): ADTDTPKKLM[Phe1878Leu]RRLKIISENS